The following is an entry in ClinVar:

NM_020829.4(RIC1):c.1175G>T (p.Arg392Met)

Gene: RIC1 (RIC1 partner of RAB6A GEF complex; plus strand). Cytogenetic location: 9p24.1.
Variant type: single nucleotide variant.
Coding change: c.1175G>T on transcript NM_020829.4 (MANE Select); coding-DNA position 1175, G replaced by T.
Protein change: p.Arg392Met; replaces arginine 392 with methionine.
Molecular consequence: missense variant.
Genome position (GRCh38, 1-based): chr9:5,746,010, G>T. VCF-style: chr9-5746010-G-T. GRCh37 (hg19) VCF-style: chr9-5746010-G-T.
Other names: c.1175G>T, p.Arg392Met (NM_001135920.4, NM_001206557.2); short protein forms R392M.
Identifiers: ClinVar variation 3067294 (VCV003067294.21), dbSNP rs138987836, ClinGen allele CA4974514.

ClinVar aggregate classification (germline): Likely benign (1 of 4 stars; one submission).

Allele frequency attached by ClinVar (database versions not stated): 1000 Genomes Project 30x 0.00031; 1000 Genomes Project 0.00040; gnomAD 0.00065; ExAC 0.00073; ESP Exome Variant Server 0.00077; TOPMed 0.00093; gnomAD exomes 0.00104.
gnomAD v4.1: 1,627 of 1,613,732 alleles (0.1%); highest among the groups gnomAD compares: Admixed American, 0.23%; 5 homozygotes.

Submission:

CeGaT Center for Human Genetics Tuebingen
Classification: Likely benign. Last evaluated: 2024-03-01. Review status: criteria provided, single submitter. Criteria: CeGaT Center For Human Genetics Tuebingen Variant Classification Criteria Version 2. Collection method: clinical testing. Allele origin: germline. Affected: yes. Observed: 1 variant allele.
Comment: RIC1: BP4, BS2